The following is an entry in ClinVar:

NM_006269.2(RP1):c.687del (p.Gly230fs)

Gene: RP1 (RP1 axonemal microtubule associated; plus strand). Cytogenetic location: 8q12.1.
Variant type: Deletion.
Coding change: c.687del on transcript NM_006269.2 (MANE Select); coding-DNA position 687, one base deleted (A; older notation c.687delA).
Protein change: p.Gly230fs; shifts the reading frame from glycine 230.
Molecular consequence: frameshift variant.
Genome position (GRCh38, 1-based): chr8:54,622,188, A deleted. VCF-style (leftmost placement, unchanged base first): chr8-54622187-CA-C. GRCh37 (hg19) VCF-style: chr8-55534747-CA-C.
Other names: c.687del, p.Gly230fs (NM_001375654.1); short protein forms G230fs.
Identifiers: ClinVar variation 3657888 (VCV003657888.2).

ClinVar aggregate classification (germline): Pathogenic (1 of 4 stars; one submission).

Submission:

Labcorp Genetics (formerly Invitae), Labcorp
Classification: Pathogenic. Last evaluated: 2024-07-12. Review status: criteria provided, single submitter. Criteria: Invitae Variant Classification Sherloc (09022015). Collection method: clinical testing. Allele origin: germline.
Comment: This sequence change creates a premature translational stop signal (p.Gly230Glufs*34) in the RP1 gene. While this is not anticipated to result in nonsense mediated decay, it is expected to disrupt the last 1927 amino acid(s) of the RP1 protein. This variant is not present in population databases (gnomAD no frequency). This variant has not been reported in the literature in individuals affected with RP1-related conditions. This variant disrupts the C-terminus of the RP1 protein. Many variants that disrupt this region have been reported in individuals with either autosomal dominant or autosomal recessive retinitis pigmentosa (PMID: 11527933, 19933189, 29425069, 30027431, 33681214). Therefore, variants that disrupt this region are expected to be disease-causing. For these reasons, this variant has been classified as Pathogenic.

Literature cited by the submitters: PubMed 11527933; PubMed 19933189; PubMed 29425069; PubMed 30027431; PubMed 33681214.